The following is an entry in ClinVar:

ClinVar aggregate classification (germline): Likely benign (0 of 4 stars; one submission).

Conditions:
ZMYM6-related disorder. Also called: ZMYM6-related condition.

Allele frequency attached by ClinVar (database versions not stated): ExAC 0.00003; gnomAD exomes 0.00035.

Submission:

PreventionGenetics, part of Exact Sciences
Classification: Likely benign for ZMYM6-related condition. Last evaluated: 2019-06-17. Review status: no assertion criteria provided. Collection method: clinical testing. Allele origin: germline.
Comment: This variant is classified as likely benign based on ACMG/AMP sequence variant interpretation guidelines (Richards et al. 2015 PMID: 25741868, with internal and published modifications).

NM_007167.4(ZMYM6):c.94-4A>T

Gene: ZMYM6 (zinc finger MYM-type containing 6; minus strand). Cytogenetic location: 1p34.3.
Variant type: single nucleotide variant.
Coding change: c.94-4A>T on transcript NM_007167.4 (MANE Select); 4 bases into the intron before coding-DNA position 94, A replaced by T.
Molecular consequence: intron variant.
Genome position (GRCh38, 1-based): chr1:35,020,471, T>A on the plus strand (A>T on the coding strand, the complement: ZMYM6 is on the minus strand). VCF-style: chr1-35020471-T-A. GRCh37 (hg19) VCF-style: chr1-35486072-T-A.
Identifiers: ClinVar variation 3033984 (VCV003033984.2), dbSNP rs768036260, ClinGen allele CA756848.